The following is an entry in ClinVar:

ClinVar aggregate classification (germline): Uncertain significance (1 of 4 stars; one submission).

Conditions:
Primary ciliary dyskinesia. Also called: Ciliary dyskinesia. Identifiers: Orphanet 244, MedGen C0008780, MONDO:0016575, HP:0012265.

gnomAD v4.1: 5 of 1,612,964 alleles (0.00031%); highest among the groups gnomAD compares: African/African-American, 0.0013%; no homozygotes.

Submission:

Ambry Genetics
Classification: Uncertain significance for Primary ciliary dyskinesia. Last evaluated: 2025-10-29. Review status: criteria provided, single submitter. Criteria: Ambry Variant Classification Scheme 2023. Collection method: clinical testing. Allele origin: germline.
Comment: The p.P1870L variant (also known as c.5609C>T), located in coding exon 32 of the DNAH11 gene, results from a C to T substitution at nucleotide position 5609. The proline at codon 1870 is replaced by leucine, an amino acid with similar properties. This amino acid position is conserved. In addition, the in silico prediction for this alteration is inconclusive. Based on the available evidence, the clinical significance of this variant remains unclear.

NM_001277115.2(DNAH11):c.5609C>T (p.Pro1870Leu)

Gene: DNAH11 (dynein axonemal heavy chain 11; plus strand). Cytogenetic location: 7p15.3.
Variant type: single nucleotide variant.
Coding change: c.5609C>T on transcript NM_001277115.2 (MANE Select); coding-DNA position 5609, C replaced by T.
Protein change: p.Pro1870Leu; replaces proline 1870 with leucine.
Molecular consequence: missense variant.
Genome position (GRCh38, 1-based): chr7:21,683,932, C>T. VCF-style: chr7-21683932-C-T. GRCh37 (hg19) VCF-style: chr7-21723550-C-T.
Other names: short protein forms P1870L.
Identifiers: ClinVar variation 4600323 (VCV004600323.1).